The following is an entry in ClinVar:

ClinVar aggregate classification (germline): Uncertain significance (1 of 4 stars; one submission).

Conditions:
Familial long QT syndrome (RWS). Also called: Romano-Ward syndrome; VENTRICULAR FIBRILLATION WITH PROLONGED QT INTERVAL; Congenital long QT syndrome. Identifiers: Orphanet 768, MedGen C1141890, MONDO:0019171.

Submission:

Genetics and Genomics Program, Sidra Medicine
Classification: Uncertain significance for Isolated congenital long QT syndrome. Last evaluated: 2025-01-05. Review status: criteria provided, single submitter. Criteria: ACMG Guidelines, 2015. Collection method: research. Allele origin: unknown. Affected: yes.
Comment: The c.263T>G missense variant in ACKR3 (NM_020311.3) is absent from all subpopulations in gnomAD (PM2). No additional ACMG/AMP criteria are met, and there is limited gene-specific evidence available to support further classification. As a result, it is classified as a VUS (ACMG code: PM2).

NM_020311.3(ACKR3):c.263T>G (p.Ile88Ser)

Genes: ACKR3 (atypical chemokine receptor 3; plus strand), LOC126806571 (MED14-independent group 3 enhancer GRCh37_chr2:237488204-237489403; plus strand). Cytogenetic location: 2q37.3.
Variant type: single nucleotide variant.
Coding change: c.263T>G on transcript NM_020311.3 (MANE Select); coding-DNA position 263, T replaced by G.
Protein change: p.Ile88Ser; replaces isoleucine 88 with serine.
Molecular consequence: missense variant.
Genome position (GRCh38, 1-based): chr2:236,580,728, T>G. VCF-style: chr2-236580728-T-G. GRCh37 (hg19) VCF-style: chr2-237489371-T-G.
Other names: short protein forms I88S.
Identifiers: ClinVar variation 3897940 (VCV003897940.1).